The following is an entry in ClinVar:

ClinVar aggregate classification (germline): Uncertain significance. Review status: criteria provided, multiple submitters, no conflicts (2 of 4 stars). 3 submissions from 3 submitters: Uncertain significance (3). Last evaluated 2025-08-24.

Conditions:
Inborn genetic diseases. Identifiers: MedGen C0950123, MeSH D030342.

Allele frequency attached by ClinVar (database versions not stated): ExAC 0.00002; gnomAD exomes 0.00002 and 0.00015; gnomAD 0.00004; TOPMed 0.00005; ESP Exome Variant Server 0.00008.
gnomAD v4.1: 223 of 1,600,682 alleles (0.014%); highest among the groups gnomAD compares: Non-Finnish European, 0.019%; 1 homozygote.

Submissions (3):

Ambry Genetics
Classification: Uncertain significance for Inborn genetic diseases. Last evaluated: 2025-08-24. Review status: criteria provided, single submitter. Criteria: Ambry Variant Classification Scheme 2023. Collection method: clinical testing. Allele origin: germline.

Blueprint Genetics
Classification: Uncertain significance. Last evaluated: 2024-09-03. Review status: criteria provided, single submitter. Criteria: ACMG Guidelines, 2015. Collection method: clinical testing. Allele origin: germline.

Labcorp Genetics (formerly Invitae), Labcorp
Classification: Uncertain significance. Last evaluated: 2023-04-24. Review status: criteria provided, single submitter. Criteria: Invitae Variant Classification Sherloc (09022015). Collection method: clinical testing. Allele origin: germline.
Comment: This variant is present in population databases (rs373049626, gnomAD 0.006%). This sequence change replaces asparagine, which is neutral and polar, with serine, which is neutral and polar, at codon 152 of the RGS9 protein (p.Asn152Ser). This variant has not been reported in the literature in individuals affected with RGS9-related conditions. In summary, the available evidence is currently insufficient to determine the role of this variant in disease. Therefore, it has been classified as a Variant of Uncertain Significance. Advanced modeling of protein sequence and biophysical properties (such as structural, functional, and spatial information, amino acid conservation, physicochemical variation, residue mobility, and thermodynamic stability) performed at Invitae indicates that this missense variant is not expected to disrupt RGS9 protein function. ClinVar contains an entry for this variant (Variation ID: 1394123).

NM_003835.4(RGS9):c.455A>G (p.Asn152Ser)

Gene: RGS9 (regulator of G protein signaling 9; plus strand). Cytogenetic location: 17q24.1.
Variant type: single nucleotide variant.
Coding change: c.455A>G on transcript NM_003835.4 (MANE Select); coding-DNA position 455, A replaced by G.
Protein change: p.Asn152Ser; replaces asparagine 152 with serine.
Molecular consequence: missense variant.
Genome position (GRCh38, 1-based): chr17:65,163,044, A>G. VCF-style: chr17-65163044-A-G. GRCh37 (hg19) VCF-style: chr17-63159162-A-G.
Other names: c.455A>G, p.Asn152Ser (NM_001081955.3, NM_001165933.2); c.455A>G (NM_003835.3); short protein forms N152S.
Identifiers: ClinVar variation 1394123 (VCV001394123.9), dbSNP rs373049626, ClinGen allele CA8717676.